The following is an entry in ClinVar:

NM_001369.3(DNAH5):c.4117-1G>A

Genes: DNAH5 (dynein axonemal heavy chain 5; minus strand), DNAH5-AS1 (DNAH5 antisense RNA 1; plus strand). Cytogenetic location: 5p15.2.
Variant type: single nucleotide variant.
Coding change: c.4117-1G>A on transcript NM_001369.3 (MANE Select); the canonical splice acceptor site of the intron before coding-DNA position 4117, G replaced by A.
Molecular consequence: splice acceptor variant.
Genome position (GRCh38, 1-based): chr5:13,865,907, C>T on the plus strand (G>A on the coding strand, the complement: DNAH5 is on the minus strand). VCF-style: chr5-13865907-C-T. GRCh37 (hg19) VCF-style: chr5-13866016-C-T.
Identifiers: ClinVar variation 2849467 (VCV002849467.3), dbSNP rs2546983271, ClinGen allele CA359225881.

ClinVar aggregate classification (germline): Likely pathogenic (1 of 4 stars; one submission).

Conditions:
Primary ciliary dyskinesia. Also called: Ciliary dyskinesia. Identifiers: Orphanet 244, MedGen C0008780, MONDO:0016575, HP:0012265.

Allele frequency attached by ClinVar (database versions not stated): gnomAD exomes below 0.00001.
gnomAD v4.1: 1 of 1,552,538 alleles (0.000064%); highest among the groups gnomAD compares: East Asian, 0.0022%; no homozygotes.

Submission:

Labcorp Genetics (formerly Invitae), Labcorp
Classification: Likely pathogenic for Primary ciliary dyskinesia. Last evaluated: 2023-12-06. Review status: criteria provided, single submitter. Criteria: Invitae Variant Classification Sherloc (09022015). Collection method: clinical testing. Allele origin: germline.
Comment: This sequence change affects an acceptor splice site in intron 26 of the DNAH5 gene. It is expected to disrupt RNA splicing. Variants that disrupt the donor or acceptor splice site typically lead to a loss of protein function (PMID: 16199547), and loss-of-function variants in DNAH5 are known to be pathogenic (PMID: 11788826, 16627867). This variant is not present in population databases (gnomAD no frequency). This variant has not been reported in the literature in individuals affected with DNAH5-related conditions. Algorithms developed to predict the effect of sequence changes on RNA splicing suggest that this variant may disrupt the consensus splice site. In summary, the currently available evidence indicates that the variant is pathogenic, but additional data are needed to prove that conclusively. Therefore, this variant has been classified as Likely Pathogenic.

Literature cited by the submitters: PubMed 16199547; PubMed 11788826; PubMed 16627867.